The following is an entry in ClinVar:

NM_012472.6(DNAAF11):c.448A>G (p.Ile150Val)

Gene: DNAAF11 (dynein axonemal assembly factor 11; minus strand). Cytogenetic location: 8q24.22.
Variant type: single nucleotide variant.
Coding change: c.448A>G on transcript NM_012472.6 (MANE Select); coding-DNA position 448, A replaced by G.
Protein change: p.Ile150Val; replaces isoleucine 150 with valine.
Molecular consequence: missense variant. On other transcripts: non-coding transcript variant (1).
Genome position (GRCh38, 1-based): chr8:132,632,945, T>C on the plus strand (A>G on the coding strand, the complement: DNAAF11 is on the minus strand). VCF-style: chr8-132632945-T-C. GRCh37 (hg19) VCF-style: chr8-133645191-T-C.
Other names: c.448A>G, p.Ile150Val (NM_001321961.2); c.202A>G, p.Ile68Val (NM_001321962.2); c.88A>G, p.Ile30Val (NM_001321963.2, NM_001321964.2, NM_001321965.2 and 1 more transcripts); short protein forms I150V, I30V, I68V.
Identifiers: ClinVar variation 3272514 (VCV003272514.1).
Genomic context (GRCh38, chr8:132,632,945, plus strand): 5'-TGATTTGTGGTTCAATTACTGAATAGTCCTGCAATGCCTTAATCCTTTCTGAAGGCTCTA[T>C]TTCTTTACCATCCAACCACTTAAAGAAAAACAATAAATATAGTACAATTGTTCAAAAGTA-3'
Protein context (NP_036604.2, residues 140-160): PQLKWLDGKE[Ile150Val]EPSERIKALQ

ClinVar aggregate classification (germline): Uncertain significance (1 of 4 stars; one submission).

Conditions:
Primary ciliary dyskinesia. Also called: Ciliary dyskinesia. Identifiers: Orphanet 244, MedGen C0008780, MONDO:0016575, HP:0012265.

gnomAD v4.1: 1 of 1,612,198 alleles (0.000062%); highest among the groups gnomAD compares: Non-Finnish European, 0.000085%; no homozygotes.

Submission:

Ambry Genetics
Classification: Uncertain significance for Primary ciliary dyskinesia. Last evaluated: 2024-05-11. Review status: criteria provided, single submitter. Criteria: Ambry Variant Classification Scheme 2023. Collection method: clinical testing. Allele origin: germline.
Comment: The p.I150V variant (also known as c.448A>G), located in coding exon 5 of the LRRC6 gene, results from an A to G substitution at nucleotide position 448. The isoleucine at codon 150 is replaced by valine, an amino acid with highly similar properties. This amino acid position is conserved. In addition, this alteration is predicted to be tolerated by in silico analysis. Based on the available evidence, the clinical significance of this variant remains unclear.